The following is an entry in ClinVar:

ClinVar aggregate classification (germline): Uncertain significance (1 of 4 stars; one submission).

Conditions:
TTN-related disorder. Also called: TTN-related disorders; TTN-related condition; TTN-related disease.

gnomAD v4.1: 2 of 1,597,658 alleles (0.00013%); highest among the groups gnomAD compares: African/African-American, 0.0027%; no homozygotes.

Submission:

PreventionGenetics, part of Exact Sciences
Classification: Uncertain significance for TTN-related condition. Last evaluated: 2026-05-10. Review status: criteria provided, single submitter. Criteria: ACMG Guidelines, 2015. Collection method: clinical testing. Allele origin: germline.
Comment: The TTN c.48661G>A variant is predicted to result in the amino acid substitution p.Glu16221Lys. To our knowledge, this variant has not been reported in the literature or in a large population database (gnomAD), indicating this variant is rare. At this time, the clinical significance of this variant is uncertain due to the absence of conclusive functional and genetic evidence.

NM_001267550.2(TTN):c.48661G>A (p.Glu16221Lys)

Genes: TTN (titin; minus strand), TTN-AS1 (TTN antisense RNA 1; plus strand), LOC126806426 (BRD4-independent group 4 enhancer GRCh37_chr2:179478848-179480047; plus strand). Cytogenetic location: 2q31.2.
Variant type: single nucleotide variant.
Coding change: c.48661G>A on transcript NM_001267550.2 (MANE Select); coding-DNA position 48661, G replaced by A.
Protein change: p.Glu16221Lys; replaces glutamic acid 16221 with lysine.
Molecular consequence: missense variant.
Genome position (GRCh38, 1-based): chr2:178,614,946, C>T on the plus strand (G>A on the coding strand, the complement: TTN is on the minus strand). VCF-style: chr2-178614946-C-T. GRCh37 (hg19) VCF-style: chr2-179479673-C-T.
Other names: c.43738G>A, p.Glu14580Lys (NM_001256850.1); c.21466G>A, p.Glu7156Lys (NM_003319.4); c.40957G>A, p.Glu13653Lys (NM_133378.4); c.21841G>A, p.Glu7281Lys (NM_133432.3); c.22042G>A, p.Glu7348Lys (NM_133437.4); short protein forms E13653K, E16221K, E7348K, E7156K, E7281K, E14580K.
Identifiers: ClinVar variation 4983767 (VCV004983767.1).